The following is an entry in ClinVar:

NM_139321.3(ATRN):c.1949C>T (p.Ala650Val)

Gene: ATRN (attractin; plus strand). Cytogenetic location: 20p13.
Variant type: single nucleotide variant.
Coding change: c.1949C>T on transcript NM_139321.3 (MANE Select); coding-DNA position 1949, C replaced by T.
Protein change: p.Ala650Val; replaces alanine 650 with valine.
Molecular consequence: missense variant.
Genome position (GRCh38, 1-based): chr20:3,572,808, C>T. VCF-style: chr20-3572808-C-T. GRCh37 (hg19) VCF-style: chr20-3553455-C-T.
Other names: c.1601C>T, p.Ala534Val (NM_001207047.3); c.1949C>T, p.Ala650Val (NM_001323332.2, NM_139322.4); short protein forms A534V, A650V.
Identifiers: ClinVar variation 1426760 (VCV001426760.8), dbSNP rs748401480, ClinGen allele CA9744188.

ClinVar aggregate classification (germline): Uncertain significance (1 of 4 stars; one submission).

Allele frequency attached by ClinVar (database versions not stated): ExAC 0.00001.

Submission:

Labcorp Genetics (formerly Invitae), Labcorp
Classification: Uncertain significance. Last evaluated: 2023-06-19. Review status: criteria provided, single submitter. Criteria: Invitae Variant Classification Sherloc (09022015). Collection method: clinical testing. Allele origin: germline.
Comment: In summary, the available evidence is currently insufficient to determine the role of this variant in disease. Therefore, it has been classified as a Variant of Uncertain Significance. An algorithm developed to predict the effect of missense changes on protein structure and function (PolyPhen-2) suggests that this variant is likely to be tolerated. ClinVar contains an entry for this variant (Variation ID: 1426760). This variant has not been reported in the literature in individuals affected with ATRN-related conditions. This variant is present in population databases (rs748401480, gnomAD 0.003%). This sequence change replaces alanine, which is neutral and non-polar, with valine, which is neutral and non-polar, at codon 650 of the ATRN protein (p.Ala650Val).